The following is an entry in ClinVar:

NM_004055.5(CAPN5):c.995G>T (p.Arg332Leu)

Gene: CAPN5 (calpain 5; plus strand). Cytogenetic location: 11q13.5.
Variant type: single nucleotide variant.
Coding change: c.995G>T on transcript NM_004055.5 (MANE Select); coding-DNA position 995, G replaced by T.
Protein change: p.Arg332Leu; replaces arginine 332 with leucine.
Molecular consequence: missense variant.
Genome position (GRCh38, 1-based): chr11:77,118,180, G>T. VCF-style: chr11-77118180-G-T. GRCh37 (hg19) VCF-style: chr11-76829226-G-T.
Other names: short protein forms R332L.
Identifiers: ClinVar variation 1357456 (VCV001357456.8), dbSNP rs544320019, ClinGen allele CA381940117.

ClinVar aggregate classification (germline): Uncertain significance (1 of 4 stars; one submission).

Submission:

Labcorp Genetics (formerly Invitae), Labcorp
Classification: Uncertain significance. Last evaluated: 2021-08-12. Review status: criteria provided, single submitter. Criteria: Invitae Variant Classification Sherloc (09022015). Collection method: clinical testing. Allele origin: germline.
Comment: This sequence change replaces arginine with leucine at codon 332 of the CAPN5 protein (p.Arg332Leu). The arginine residue is highly conserved and there is a moderate physicochemical difference between arginine and leucine. This variant is not present in population databases (ExAC no frequency). This variant has not been reported in the literature in individuals with CAPN5-related conditions. Algorithms developed to predict the effect of missense changes on protein structure and function are either unavailable or do not agree on the potential impact of this missense change (SIFT: "Deleterious"; PolyPhen-2: "Benign"; Align-GVGD: "Class C0"). In summary, the available evidence is currently insufficient to determine the role of this variant in disease. Therefore, it has been classified as a Variant of Uncertain Significance.